The following is an entry in ClinVar:

ClinVar aggregate classification (germline): Conflicting classifications of pathogenicity. Review status: criteria provided, conflicting classifications (1 of 4 stars). 6 submissions from 6 submitters: Uncertain significance (5); Benign (1). Last evaluated 2026-05-11.

Conditions:
Inherited ovarian cancer (without breast cancer).
Hereditary nonpolyposis colorectal neoplasms. Identifiers: MedGen C0009405, MeSH D003123.
Hereditary cancer-predisposing syndrome. Also called: Neoplastic Syndromes, Hereditary; Hereditary Cancer Syndrome; Tumor predisposition; Hereditary neoplastic syndrome. Identifiers: Orphanet 140162, MedGen C0027672, MeSH D009386, MONDO:0015356.
Endometrial carcinoma. Also called: Endometrial carcinoma, somatic. Identifiers: MedGen C0476089, MONDO:0002447, OMIM 608089, HP:0012114.
Lynch syndrome 5 (LYNCH5). Also called: Colorectal cancer, hereditary nonpolyposis, type 5; Hereditary non-polyposis colorectal cancer, type 5. Identifiers: Orphanet 144, MedGen C1833477, MONDO:0013710, OMIM 614350. Disease mechanism: loss of function.

gnomAD v4.1: 6 of 1,614,180 alleles (0.00037%); highest among the groups gnomAD compares: Non-Finnish European, 0.00042%; no homozygotes.

Submissions (6):

Cambridge Genomics Laboratory, East Genomic Laboratory Hub, NHS Genomic Medicine Service
Classification: Uncertain significance for Inherited ovarian cancer (without breast cancer). Last evaluated: 2026-05-11. Review status: criteria provided, single submitter. Criteria: ACGS Best Practice Guidelines for Variant Classification in Rare Disease 2020. Collection method: clinical testing. Allele origin: germline. Affected: yes.
Comment: PM2_Supporting,BP4

Ambry Genetics
Classification: Uncertain significance for Hereditary cancer-predisposing syndrome. Last evaluated: 2025-12-07. Review status: criteria provided, single submitter. Criteria: Ambry Variant Classification Scheme 2023. Collection method: clinical testing. Allele origin: germline.
Comment: The p.E1121K variant (also known as c.3361G>A), located in coding exon 5 of the MSH6 gene, results from a G to A substitution at nucleotide position 3361. The glutamic acid at codon 1121 is replaced by lysine, an amino acid with similar properties. This variant was previously detected in a patient with pancreatic cancer (Yang XR et al. Hum Genet, 2016 Nov;135:1241-1249). This amino acid position is not well conserved in available vertebrate species. In addition, the in silico prediction for this alteration is inconclusive. Since supporting evidence is limited at this time, the clinical significance of this alteration remains unclear.

Labcorp Genetics (formerly Invitae), Labcorp
Classification: Benign for Hereditary nonpolyposis colorectal neoplasms. Last evaluated: 2025-10-21. Review status: criteria provided, single submitter. Criteria: Invitae Variant Classification Sherloc (09022015). Collection method: clinical testing. Allele origin: germline.

Molecular Pathology, Peter Maccallum Cancer Centre
Classification: Uncertain significance for Lynch syndrome 5. Last evaluated: 2024-04-15. Review status: criteria provided, single submitter. Criteria: ACMG Guidelines, 2015. Collection method: clinical testing. Allele origin: germline. Inheritance: Autosomal dominant inheritance.

Baylor Genetics
Classification: Uncertain significance for Endometrial carcinoma. Last evaluated: 2023-10-04. Review status: criteria provided, single submitter. Criteria: ACMG Guidelines, 2015. Collection method: clinical testing. Allele origin: unknown.

GeneDx
Classification: Uncertain significance. Last evaluated: 2015-03-31. Review status: criteria provided, single submitter. Criteria: GeneDx Variant Classification (06012015). Collection method: clinical testing. Allele origin: germline. Affected: yes.
Comment: This variant is denoted MSH6 c.3361G>A at the cDNA level, p.Glu1121Lys (E1121K) at the protein level, and results in the change of a Glutamic Acid to a Lysine (GAG>AAG). This variant has not, to our knowledge, been published in the literature as pathogenic or benign. MSH6 Glu1121Lys was not observed in approximately 6,500 individuals of European and African American ancestry in the NHLBI Exome Sequencing Project, indicating it is not a common benign variant in these populations. Since Glutamic Acid and Lysine differ in polarity, charge, size or other properties, this is considered a non-conservative amino acid substitution. MSH6 Glu1121Lys occurs at a position that is highly variable across species and is located in the MutS domain V (Terui 2013). In silico analyses are inconsistent regarding the effect this variant may have on protein structure and function. Based on currently available information, it is unclear whether MSH6 Glu1121Lys is pathogenic or benign. We consider it to be a variant of uncertain significance.

Literature cited by the submitters: PubMed 27449771 (cited by Ambry Genetics).

NM_000179.3(MSH6):c.3361G>A (p.Glu1121Lys)

Gene: MSH6 (mutS homolog 6; plus strand). Cytogenetic location: 2p16.3.
Variant type: single nucleotide variant.
Coding change: c.3361G>A on transcript NM_000179.3 (MANE Select); coding-DNA position 3361, G replaced by A.
Protein change: p.Glu1121Lys; replaces glutamic acid 1121 with lysine.
Molecular consequence: missense variant.
Genome position (GRCh38, 1-based): chr2:47,803,608, G>A. VCF-style: chr2-47803608-G-A. GRCh37 (hg19) VCF-style: chr2-48030747-G-A.
Other names: p.E1121K:GAG>AAG; c.2971G>A, p.Glu991Lys (NM_001281492.2); c.2455G>A, p.Glu819Lys (NM_001281493.2, NM_001281494.2); short protein forms E1121K, E819K, E991K.
Identifiers: ClinVar variation 141258 (VCV000141258.20), dbSNP rs587781609, ClinGen allele CA012691.
Genomic context (GRCh38, chr2:47,803,608, plus strand): 5'-AAGACTTTTTTTGGAGATGATTTTATTCCTAATGACATTCTAATAGGCTGTGAGGAAGAG[G>A]AGCAGGAAAATGGCAAAGCCTATTGTGTGCTTGTTACTGGACCAAATATGGGGGGCAAGT-3'
Protein context (NP_000170.1, residues 1111-1131): NDILIGCEEE[Glu1121Lys]QENGKAYCVL